The following is an entry in ClinVar:

ClinVar aggregate classification (germline): Likely benign (1 of 4 stars; one submission).

Allele frequency attached by ClinVar (database versions not stated): gnomAD 0.00015; ESP Exome Variant Server 0.00016; ExAC 0.00017; TOPMed 0.00022; gnomAD exomes 0.00036.
gnomAD v4.1: 547 of 1,611,710 alleles (0.034%); highest among the groups gnomAD compares: Non-Finnish European, 0.042%; no homozygotes.

Submission:

CeGaT Center for Human Genetics Tuebingen
Classification: Likely benign. Last evaluated: 2023-05-01. Review status: criteria provided, single submitter. Criteria: CeGaT Center For Human Genetics Tuebingen Variant Classification Criteria Version 2. Collection method: clinical testing. Allele origin: germline. Affected: yes. Observed: 1 variant allele.
Comment: MAPK8IP3: BP4, BP7

NM_001318852.2(MAPK8IP3):c.3897C>T (p.Asp1299=)

Gene: MAPK8IP3 (mitogen-activated protein kinase 8 interacting protein 3; plus strand). Cytogenetic location: 16p13.3.
Variant type: single nucleotide variant.
Coding change: c.3897C>T on transcript NM_001318852.2 (MANE Select); coding-DNA position 3897, C replaced by T.
Protein change: p.Asp1299=; no amino-acid change (aspartic acid 1299 retained).
Molecular consequence: synonymous variant.
Genome position (GRCh38, 1-based): chr16:1,768,707, C>T. VCF-style: chr16-1768707-C-T. GRCh37 (hg19) VCF-style: chr16-1818708-C-T.
Other names: c.3876C>T, p.Asp1292= (NM_001040439.2); c.3894C>T, p.Asp1298= (NM_015133.5, NM_033392.3).
Identifiers: ClinVar variation 2570921 (VCV002570921.27), dbSNP rs371205374, ClinGen allele CA7817929.